The following is an entry in ClinVar:

NM_000517.6(HBA2):c.79G>A (p.Ala27Thr)

Genes: HBA2 (hemoglobin subunit alpha 2; plus strand), LOC106804612 (hemoglobin subunit alpha 2 recombination region; plus strand). Cytogenetic location: 16p13.3.
Variant type: single nucleotide variant.
Coding change: c.79G>A on transcript NM_000517.6 (MANE Select); coding-DNA position 79, G replaced by A.
Protein change: p.Ala27Thr; replaces alanine 27 with threonine.
Molecular consequence: missense variant.
Genome position (GRCh38, 1-based): chr16:172,991, G>A. VCF-style: chr16-172991-G-A. GRCh37 (hg19) VCF-style: chr16-222990-G-A.
Other names: short protein forms A27T.
Identifiers: ClinVar variation 801179 (VCV000801179.6), dbSNP rs41467944, ClinGen allele CA276414463.

ClinVar aggregate classification (germline): Conflicting classifications of pathogenicity. Review status: criteria provided, conflicting classifications (1 of 4 stars). 3 submissions from 3 submitters: Pathogenic (1); Uncertain significance (2). Last evaluated 2025-06-30.

Submissions (3):

Quest Diagnostics Nichols Institute San Juan Capistrano
Classification: Uncertain significance. Last evaluated: 2025-06-30. Review status: criteria provided, single submitter. Criteria: Quest Diagnostics criteria. Collection method: clinical testing. Allele origin: unknown.
Comment: The HBA2 c.79G>A (p.Ala27Thr) variant (Hb Caserta variant) has been reported in the published literature in having reduced MCV and MCH levels, with the variant Hb being 3% of the total Hb (HbVar). Hb Caserta has also been reported to occur with the Hb Sun Prairie mutation on the same HBA2 gene. Individuals heterozygous for the double variants have thalassemia trait, while homozygous individuals are associated with anemia, microcytosis and splenomegaly (PMID 18691171 (2008)). This variant has not been reported in large, multi-ethnic general populations (Genome Aggregation Database). Analysis of this variant using bioinformatics tools for the prediction of the effect of amino acid changes on protein structure and function yielded conflicting predictions that this variant is deleterious or benign. Based on the available information, we are unable to determine the clinical significance of this variant.

ARUP Laboratories, Molecular Genetics and Genomics, ARUP Laboratories
Classification: Pathogenic. Last evaluated: 2023-06-08. Review status: criteria provided, single submitter. Criteria: ARUP Molecular Germline Variant Investigation Process 2024. Collection method: clinical testing. Allele origin: germline.
Comment: The Hb Southern Italy variant (HBA2: c.[79G>A; 391G>C] p.[Ala27Thr; Ala131Pro]; rsID: rs41467944, rs41529844, HbVar ID: 40, 197) is reported in the literature in the heterozygous state in individuals with mild microcythemia, and in the homozygous state in individuals with chronic hemolytic anemia (See HbVar, Cardiero 2020, Lacerra 2007, Passarello 2008). Hb Southern Italy is comprised of variants Hb Caserta (c.79G>A; p.Ala27Thr) and Hb Sun Prairie (c.391G>C; p.Ala131Pro), while carriers of Hb Sun Prairie are common (Farashi 2016), no known carriers of just Hb Caserta are known (Lacerra 2009). This variant has been shown to be highly unstable. Based on available information, this variant is considered to be pathogenic. References: Link to HbVar database. Cardiero G et al. Effect of Mutations on mRNA and Globin Stability: The Cases of Hb Bernalda/Groene Hart and Hb Southern Italy. Genes (Basel). 2020 Jul 31;11(8):870. PMID: 32751969. Farashi S et al. Point mutations which should not be overlooked in Hb H disease. Expert Rev Hematol. 2016 Jan;9(1):107-13. PMID: 26523940. Lacerra G et al. Hb Southern Italy: coexistence of two missence mutations (the Hb Sun Prairie alpha2 130 Ala > Pro and Hb Caserta alpha2 26 Ala > Thr) in a single HBA2 gene. Br J Haematol. 2009 Jun;145(6):843-4. PMID: 19344421. Lacerra G et al. Genotyping for known Mediterranean alpha-thalassemia point mutations using a multiplex amplification refractory mutation system. Haematologica. 2007 Feb;92(2):254-5. PMID: 17296579. Passarello C et al. Hb Southern Italy: coexistence of two missence mutations (the Hb Sun Prairie alpha2 130 Ala --> Pro and Hb Caserta alpha2 26 Ala --> Thr) in a single HBA2 gene. Br J Haematol. 2008 Oct;143(1):138-42. PMID: 18691171.

Women's Health and Genetics/Laboratory Corporation of America, LabCorp
Classification: Uncertain significance. Last evaluated: 2023-05-02. Review status: criteria provided, single submitter. Criteria: LabCorp Variant Classification Summary - May 2015. Collection method: clinical testing. Allele origin: germline.
Comment: Variant summary: HBA2 c.79G>A (p.Ala27Thr) results in a non-conservative amino acid change located in the Globin domain (IPR000971) of the encoded protein sequence. Three of five in-silico tools predict a benign effect of the variant on protein function. The variant was absent in 53842 control chromosomes. The available data on variant occurrences in the general population are insufficient to allow any conclusion about variant significance. c.79G>A has been reported in the literature as a non-informative genotype (example, Lacerra_2004) or in cis with another HBA2 alteration, namely HBA2 c.391G>C (p.Ala131Pro), also known as Hb Sun Prairie (Tammadoni_2009). These report(s) do not provide unequivocal conclusions about association of the variant with Alpha Thalassemia. To our knowledge, no experimental evidence demonstrating an impact on protein function has been reported. The following publications have been ascertained in the context of this evaluation (PMID: 15365991, 18691171, 19373587). One clinical diagnostic laboratory has submitted clinical-significance assessments for this variant to ClinVar after 2014 and classified the variant as uncertain significance citing overlapping evidence utilized in the context of this evaluation. Based on the evidence outlined above, the variant in isolation was classified as uncertain significance.

Literature cited by the submitters: PubMed 15365991 (cited by Quest Diagnostics Nichols Institute San Juan Capistrano and Women's Health and Genetics/Laboratory Corporation of America, LabCorp); PubMed 18691171 (cited by Quest Diagnostics Nichols Institute San Juan Capistrano and Women's Health and Genetics/Laboratory Corporation of America, LabCorp); PubMed 19373587 (cited by Women's Health and Genetics/Laboratory Corporation of America, LabCorp).